The following is an entry in ClinVar:

NM_015338.6(ASXL1):c.1725A>C (p.Gln575His)

Gene: ASXL1 (ASXL transcriptional regulator 1; plus strand). Cytogenetic location: 20q11.21.
Variant type: single nucleotide variant.
Coding change: c.1725A>C on transcript NM_015338.6 (MANE Select); coding-DNA position 1725, A replaced by C.
Protein change: p.Gln575His; replaces glutamine 575 with histidine.
Molecular consequence: missense variant.
Genome position (GRCh38, 1-based): chr20:32,434,437, A>C. VCF-style: chr20-32434437-A-C. GRCh37 (hg19) VCF-style: chr20-31022240-A-C.
Other names: c.1542A>C, p.Gln514His (NM_001363734.1); short protein forms Q575H, Q514H.
Identifiers: ClinVar variation 3438286 (VCV003438286.3).

ClinVar aggregate classification (germline): Uncertain significance. Review status: criteria provided, multiple submitters, no conflicts (2 of 4 stars). 2 submissions from 2 submitters: Uncertain significance (2). Last evaluated 2024-11-20.

Conditions:
Inborn genetic diseases. Identifiers: MedGen C0950123, MeSH D030342.

gnomAD v4.1: 2 of 1,613,972 alleles (0.00012%); highest among the groups gnomAD compares: South Asian, 0.0011%; no homozygotes.

Submissions (2):

Ambry Genetics
Classification: Uncertain significance for Inborn genetic diseases. Last evaluated: 2024-11-20. Review status: criteria provided, single submitter. Criteria: Ambry Variant Classification Scheme 2023. Collection method: clinical testing. Allele origin: germline.
Comment: The p.Q575H variant (also known as c.1725A>C), located in coding exon 13 of the ASXL1 gene, results from an A to C substitution at nucleotide position 1725. The glutamine at codon 575 is replaced by histidine, an amino acid with highly similar properties. This amino acid position is conserved. In addition, this alteration is predicted to be tolerated by in silico analysis. Based on the available evidence, the clinical significance of this variant remains unclear.

Labcorp Genetics (formerly Invitae), Labcorp
Classification: Uncertain significance. Last evaluated: 2024-11-13. Review status: criteria provided, single submitter. Criteria: Invitae Variant Classification Sherloc (09022015). Collection method: clinical testing. Allele origin: germline.
Comment: This sequence change replaces glutamine, which is neutral and polar, with histidine, which is basic and polar, at codon 575 of the ASXL1 protein (p.Gln575His). This variant is present in population databases (no rsID available, gnomAD 0.0009%). This variant has not been reported in the literature in individuals affected with ASXL1-related conditions. An algorithm developed to predict the effect of missense changes on protein structure and function (PolyPhen-2) suggests that this variant is likely to be disruptive. In summary, the available evidence is currently insufficient to determine the role of this variant in disease. Therefore, it has been classified as a Variant of Uncertain Significance.